The following is an entry in ClinVar:

ClinVar aggregate classification (germline): Uncertain significance (1 of 4 stars; one submission).

gnomAD v4.1: 4 of 1,613,524 alleles (0.00025%); highest among the groups gnomAD compares: African/African-American, 0.0013%; no homozygotes.

Submission:

Ambry Genetics
Classification: Uncertain significance. Last evaluated: 2025-04-19. Review status: criteria provided, single submitter. Criteria: Ambry Variant Classification Scheme 2023. Collection method: clinical testing. Allele origin: germline.
Comment: The p.D1219N variant (also known as c.3655G>A), located in coding exon 15 of the WNK2 gene, results from a G to A substitution at nucleotide position 3655. The aspartic acid at codon 1219 is replaced by asparagine, an amino acid with highly similar properties. This amino acid position is conserved. In addition, this alteration is predicted to be tolerated by in silico analysis. Based on the available evidence, the clinical significance of this variant remains unclear.

NM_006648.4(WNK2):c.3655G>A (p.Asp1219Asn)

Gene: WNK2 (WNK lysine deficient protein kinase 2; plus strand). Cytogenetic location: 9q22.31.
Variant type: single nucleotide variant.
Coding change: c.3655G>A on transcript NM_006648.4 (MANE Select); coding-DNA position 3655, G replaced by A.
Protein change: p.Asp1219Asn; replaces aspartic acid 1219 with asparagine.
Molecular consequence: missense variant.
Genome position (GRCh38, 1-based): chr9:93,263,992, G>A. VCF-style: chr9-93263992-G-A. GRCh37 (hg19) VCF-style: chr9-96026274-G-A.
Other names: c.3655G>A, p.Asp1219Asn (NM_001282394.3); short protein forms D1219N.
Identifiers: ClinVar variation 3981923 (VCV003981923.1).